The following is an entry in ClinVar:

ClinVar aggregate classification (germline): Pathogenic (1 of 4 stars; one submission).

Submission:

Labcorp Genetics (formerly Invitae), Labcorp
Classification: Pathogenic. Last evaluated: 2023-04-12. Review status: criteria provided, single submitter. Criteria: Invitae Variant Classification Sherloc (09022015). Collection method: clinical testing. Allele origin: germline.
Comment: For these reasons, this variant has been classified as Pathogenic. This variant has not been reported in the literature in individuals affected with USH2A-related conditions. This variant is not present in population databases (gnomAD no frequency). This sequence change creates a premature translational stop signal (p.Tyr493Leufs*93) in the USH2A gene. It is expected to result in an absent or disrupted protein product. Loss-of-function variants in USH2A are known to be pathogenic (PMID: 10729113, 10909849, 20507924, 25649381).

Literature cited by the submitters: PubMed 10729113; PubMed 10909849; PubMed 20507924; PubMed 25649381.

NM_206933.4(USH2A):c.1476_1491del (p.Tyr493fs)

Gene: USH2A (usherin; minus strand). Cytogenetic location: 1q41.
Variant type: Deletion.
Coding change: c.1476_1491del on transcript NM_206933.4 (MANE Select); coding-DNA positions 1476 to 1491, 16 bases deleted (GTACTATACAACTGAG).
Protein change: p.Tyr493fs; shifts the reading frame from tyrosine 493.
Molecular consequence: frameshift variant.
Genome position (GRCh38, 1-based): chr1:216,323,533-216,323,548, CTCAGTTGTATAGTAC deleted on the plus strand (GTACTATACAACTGAG on the coding strand, the reverse complement: USH2A is on the minus strand). VCF-style (leftmost placement, unchanged base first): chr1-216323532-TCTCAGTTGTATAGTAC-T. GRCh37 (hg19) VCF-style: chr1-216496874-TCTCAGTTGTATAGTAC-T.
Other names: c.1476_1491del, p.Tyr493fs (NM_007123.6); short protein forms Y493fs.
Identifiers: ClinVar variation 2852308 (VCV002852308.3), dbSNP rs2527433698, ClinGen allele CA2739275694.
Genomic context (GRCh38, chr1:216,323,532, plus strand): 5'-ACCTCCCACTAATGGTGATTTCGTCCACTGCATAATATCTGTGTCTGAGGTTAACAGCAG[TCTCAGTTGTATAGTAC>T]TGCCCATGAAAATGAAACCTTATTTGCGTGGCTTTTACGAACTCTTGAAGAGATGGGGTA-3'